The following is an entry in ClinVar:

NM_031220.4(PITPNM3):c.1566C>G (p.Ser522Arg)

Gene: PITPNM3 (PITPNM family member 3; minus strand). Cytogenetic location: 17p13.2.
Variant type: single nucleotide variant.
Coding change: c.1566C>G on transcript NM_031220.4 (MANE Select); coding-DNA position 1566, C replaced by G.
Protein change: p.Ser522Arg; replaces serine 522 with arginine.
Molecular consequence: missense variant.
Genome position (GRCh38, 1-based): chr17:6,471,219, G>C on the plus strand (C>G on the coding strand, the complement: PITPNM3 is on the minus strand). VCF-style: chr17-6471219-G-C. GRCh37 (hg19) VCF-style: chr17-6374539-G-C.
Other names: c.1458C>G, p.Ser486Arg (NM_001165966.2); c.1566C>G (NM_031220.3); short protein forms S522R, S486R.
Identifiers: ClinVar variation 1038050 (VCV001038050.9), dbSNP rs1020154569, ClinGen allele CA287315369.
Genomic context (GRCh38, chr17:6,471,219, plus strand): 5'-ACTGCGGGAGGCACCCACGGGTGCCATGCTGTCCGAGGACTCCGAGCTCTCGCTGTGGGA[G>C]CTCCCCTCGCTCATCCTCCGTCCTGGGCGCTGGAACCTCGAGGCCTGAGGGGGCGAGGCA-3'
Protein context (NP_112497.2, residues 512-532): QRPGRRMSEG[Ser522Arg]SHSESSESSD

ClinVar aggregate classification (germline): Uncertain significance. Review status: criteria provided, multiple submitters, no conflicts (2 of 4 stars). 2 submissions from 2 submitters: Uncertain significance (2). Last evaluated 2023-12-11.

Allele frequency attached by ClinVar (database versions not stated): gnomAD 0.00001; TOPMed 0.00001.
gnomAD v4.1: 8 of 1,613,194 alleles (0.0005%); highest among the groups gnomAD compares: Non-Finnish European, 0.00068%; no homozygotes.

Submissions (2):

Labcorp Genetics (formerly Invitae), Labcorp
Classification: Uncertain significance. Last evaluated: 2023-12-11. Review status: criteria provided, single submitter. Criteria: Invitae Variant Classification Sherloc (09022015). Collection method: clinical testing. Allele origin: germline.
Comment: This sequence change replaces serine, which is neutral and polar, with arginine, which is basic and polar, at codon 522 of the PITPNM3 protein (p.Ser522Arg). This variant is present in population databases (no rsID available, gnomAD 0.007%). This variant has not been reported in the literature in individuals affected with PITPNM3-related conditions. ClinVar contains an entry for this variant (Variation ID: 1038050). An algorithm developed to predict the effect of missense changes on protein structure and function (PolyPhen-2) suggests that this variant is likely to be disruptive. In summary, the available evidence is currently insufficient to determine the role of this variant in disease. Therefore, it has been classified as a Variant of Uncertain Significance.

Ambry Genetics
Classification: Uncertain significance. Last evaluated: 2022-12-13. Review status: criteria provided, single submitter. Criteria: Ambry Variant Classification Scheme 2023. Collection method: clinical testing. Allele origin: germline.